The following is an entry in ClinVar:

NM_001184.4(ATR):c.7726C>T (p.Pro2576Ser)

Gene: ATR (ATR checkpoint kinase; minus strand). Cytogenetic location: 3q23.
Variant type: single nucleotide variant.
Coding change: c.7726C>T on transcript NM_001184.4 (MANE Select); coding-DNA position 7726, C replaced by T.
Protein change: p.Pro2576Ser; replaces proline 2576 with serine.
Molecular consequence: missense variant.
Genome position (GRCh38, 1-based): chr3:142,453,163, G>A on the plus strand (C>T on the coding strand, the complement: ATR is on the minus strand). VCF-style: chr3-142453163-G-A. GRCh37 (hg19) VCF-style: chr3-142172005-G-A.
Other names: c.7534C>T, p.Pro2512Ser (NM_001354579.2); short protein forms P2576S, P2512S.
Identifiers: ClinVar variation 1760330 (VCV001760330.2), dbSNP rs911475726, ClinGen allele CA84721705.
Genomic context (GRCh38, chr3:142,453,163, plus strand): 5'-ATATCAAGCTATACCTTCTACTAACCTTTTCATTGACAACTTCTCCAGTTTCATTCAGTG[G>A]CGCTTTGGAATGCCCTTTCACTGGTTTACTCCATTCCACAAGAGGATCATGTAGAAAAGT-3'
Protein context (NP_001175.2, residues 2566-2586): SKPVKGHSKA[Pro2576Ser]LNETGEVVNE

ClinVar aggregate classification (germline): Uncertain significance (1 of 4 stars; one submission).

Conditions:
Inborn genetic diseases. Identifiers: MedGen C0950123, MeSH D030342.

Submission:

Ambry Genetics
Classification: Uncertain significance for Inborn genetic diseases. Last evaluated: 2021-10-30. Review status: criteria provided, single submitter. Criteria: Ambry Variant Classification Scheme 2023. Collection method: clinical testing. Allele origin: germline.
Comment: The p.P2576S variant (also known as c.7726C>T), located in coding exon 46 of the ATR gene, results from a C to T substitution at nucleotide position 7726. The proline at codon 2576 is replaced by serine, an amino acid with similar properties. This amino acid position is conserved. In addition, this alteration is predicted to be tolerated by in silico analysis. Since supporting evidence is limited at this time, the clinical significance of this alteration remains unclear.